The following is an entry in ClinVar:

ClinVar aggregate classification (germline): Pathogenic (1 of 4 stars; one submission).

Submission:

Labcorp Genetics (formerly Invitae), Labcorp
Classification: Pathogenic. Last evaluated: 2023-08-10. Review status: criteria provided, single submitter. Criteria: Invitae Variant Classification Sherloc (09022015). Collection method: clinical testing. Allele origin: germline.
Comment: For these reasons, this variant has been classified as Pathogenic. This variant has not been reported in the literature in individuals affected with PCLO-related conditions. This variant is not present in population databases (gnomAD no frequency). This sequence change creates a premature translational stop signal (p.Asp765Glyfs*32) in the PCLO gene. It is expected to result in an absent or disrupted protein product. Loss-of-function variants in PCLO are known to be pathogenic (PMID: 25832664, 30287594).

Literature cited by the submitters: PubMed 25832664; PubMed 30287594.

NM_033026.6(PCLO):c.2293_2294insGT (p.Asp765fs)

Gene: PCLO (piccolo presynaptic cytomatrix protein; minus strand). Cytogenetic location: 7q21.11.
Variant type: Insertion.
Coding change: c.2293_2294insGT on transcript NM_033026.6 (MANE Select); coding-DNA positions 2293 to 2294, GT inserted.
Protein change: p.Asp765fs; shifts the reading frame from aspartic acid 765.
Molecular consequence: frameshift variant.
Genome position: GRCh38 VCF-style: chr7-83135256-T-TAC. GRCh37 (hg19) VCF-style: chr7-82764572-T-TAC.
Other names: c.2293_2294insGT, p.Asp765fs (NM_014510.3); short protein forms D765fs.
Identifiers: ClinVar variation 2842292 (VCV002842292.3), dbSNP rs2484838367, ClinGen allele CA2739266499.